The following is an entry in ClinVar:

NM_012254.3(SLC27A5):c.1668-6T>C

Gene: SLC27A5 (solute carrier family 27 member 5; minus strand). Cytogenetic location: 19q13.43.
Variant type: single nucleotide variant.
Coding change: c.1668-6T>C on transcript NM_012254.3 (MANE Select); 6 bases into the intron before coding-DNA position 1668, T replaced by C.
Molecular consequence: intron variant.
Genome position (GRCh38, 1-based): chr19:58,499,226, A>G on the plus strand (T>C on the coding strand, the complement: SLC27A5 is on the minus strand). VCF-style: chr19-58499226-A-G. GRCh37 (hg19) VCF-style: chr19-59010593-A-G.
Other names: p.?; c.1668-6T>C (NM_012254.2); c.1416-6T>C (NM_001321196.2).
Identifiers: ClinVar variation 1295122 (VCV001295122.10), dbSNP rs4801274, ClinGen allele CA9717870.
Genomic context (GRCh38, chr19:58,499,226, plus strand): 5'-CACCTGCGACAACACGCCCTCCACCTCGTGCGTGGACACGTTCTCGCCCTTCCATCTGCA[A>G]GGAGGGAGCCGGCGCTTGTGACCACGCCCCCGGGAAGGAGAGGCCCCGCCTCTTGCCCCC-3'

ClinVar aggregate classification (germline): Benign. Review status: criteria provided, multiple submitters, no conflicts (2 of 4 stars). 5 submissions from 5 submitters: Benign (4). 1 of the submissions does not count toward it. Last evaluated 2026-02-03.

Conditions:
SLC27A5-related disorder. Also called: SLC27A5-related condition.

Allele frequency attached by ClinVar (database versions not stated): gnomAD 0.88638 and 0.88644; ESP Exome Variant Server 0.89397; 1000 Genomes Project 0.85244; TOPMed 0.87638; 1000 Genomes Project 30x 0.85212; gnomAD exomes 0.89509 and 0.92374; ExAC 0.89818.

Submissions (5):

Labcorp Genetics (formerly Invitae), Labcorp
Classification: Benign. Last evaluated: 2026-02-03. Review status: criteria provided, single submitter. Criteria: Invitae Variant Classification Sherloc (09022015). Collection method: clinical testing. Allele origin: germline.

Mayo Clinic Laboratories, Mayo Clinic
Classification: Benign. Last evaluated: 2022-05-05. Review status: criteria provided, single submitter. Criteria: ACMG Guidelines, 2015. Collection method: clinical testing. Allele origin: germline. Observed: 528 variant alleles.

GeneDx
Classification: Benign. Last evaluated: 2018-11-12. Review status: criteria provided, single submitter. Criteria: GeneDx Variant Classification Process June 2021. Collection method: clinical testing. Allele origin: germline. Affected: yes.

Breakthrough Genomics
Classification: Benign. Review status: criteria provided, single submitter. Criteria: ACMG Guidelines, 2015. Collection method: not provided. Allele origin: germline. Inheritance: Unknown mechanism. Affected: yes.

PreventionGenetics, part of Exact Sciences
Classification: Benign for SLC27A5-related condition. Last evaluated: 2023-06-22. Review status: no assertion criteria provided. Collection method: clinical testing. Allele origin: germline. Not counted in ClinVar's aggregate classification.
Comment: This variant is classified as benign based on ACMG/AMP sequence variant interpretation guidelines (Richards et al. 2015 PMID: 25741868, with internal and published modifications).